The following is an entry in ClinVar:

ClinVar aggregate classification (germline): Benign. Review status: criteria provided, multiple submitters, no conflicts (2 of 4 stars). 10 submissions from 10 submitters: Benign (8). 2 of the submissions do not count toward it. Last evaluated 2026-02-04.

Conditions:
Saldino-Mainzer syndrome (SRTD9). Also called: short-rib thoracic dysplasia 9 with or without polydactyly; Renal dysplasia, retinal pigmentary dystrophy, cerebellar ataxia and skeletal dysplasia; SHORT-RIB THORACIC DYSPLASIA 9 WITHOUT POLYDACTYLY; CONORENAL SYNDROME. Identifiers: Orphanet 140969, MedGen C1849437, MONDO:0009964, OMIM 266920.

Allele frequency attached by ClinVar (database versions not stated): 1000 Genomes Project 0.02696; 1000 Genomes Project 30x 0.02889; ESP Exome Variant Server 0.03185; TOPMed 0.03614.
gnomAD v4.1: 71,398 of 1,613,380 alleles (4.4%); highest among the groups gnomAD compares: Admixed American, 9.8%; 2,167 homozygotes.

Submissions (10):

Labcorp Genetics (formerly Invitae), Labcorp
Classification: Benign for Saldino-Mainzer syndrome. Last evaluated: 2026-02-04. Review status: criteria provided, single submitter. Criteria: Invitae Variant Classification Sherloc (09022015). Collection method: clinical testing. Allele origin: germline.

Blueprint Genetics
Classification: Benign. Last evaluated: 2024-11-27. Review status: criteria provided, single submitter. Criteria: ACMG Guidelines, 2015. Collection method: clinical testing. Allele origin: germline.

Mayo Clinic Laboratories, Mayo Clinic
Classification: Benign. Last evaluated: 2022-03-09. Review status: criteria provided, single submitter. Criteria: ACMG Guidelines, 2015. Collection method: clinical testing. Allele origin: germline. Observed: 4 variant alleles.

GeneDx
Classification: Benign. Last evaluated: 2021-04-06. Review status: criteria provided, single submitter. Criteria: GeneDx Variant Classification Process June 2021. Collection method: clinical testing. Allele origin: germline. Affected: yes.

Illumina Laboratory Services, Illumina
Classification: Benign for Saldino-Mainzer syndrome. Last evaluated: 2018-01-13. Review status: criteria provided, single submitter. Criteria: ICSL Variant Classification Criteria 13 December 2019. Collection method: clinical testing. Allele origin: germline.
Comment: This variant was observed in the ICSL laboratory as part of a predisposition screen in an ostensibly healthy population. It had not been previously curated by ICSL or reported in the Human Gene Mutation Database (HGMD: prior to June 1st, 2018), and was therefore a candidate for classification through an automated scoring system. Utilizing variant allele frequency, disease prevalence and penetrance estimates, and inheritance mode, an automated score was calculated to assess if this variant is too frequent to cause the disease. Based on the score and internal cut-off values, a variant classified as benign is not then subjected to further curation. The score for this variant resulted in a classification of benign for this disease.

Genome Diagnostics Laboratory, University Medical Center Utrecht
Classification: Benign for Saldino-Mainzer syndrome. Last evaluated: 2016-01-12. Review status: criteria provided, single submitter. Criteria: ACGS Guidelines, 2013. Collection method: clinical testing. Allele origin: germline. Affected: yes. Study: VKGL Data-share Consensus.

Clinical Genetics DNA and cytogenetics Diagnostics Lab, Erasmus MC, Erasmus Medical Center
Classification: Benign for Saldino-Mainzer syndrome. Last evaluated: 2015-09-21. Review status: criteria provided, single submitter. Criteria: ACGS Guidelines, 2013. Collection method: clinical testing. Allele origin: germline. Affected: yes. Study: VKGL Data-share Consensus.

Breakthrough Genomics
Classification: Benign. Review status: criteria provided, single submitter. Criteria: ACMG Guidelines, 2015. Collection method: not provided. Allele origin: germline. Inheritance: Autosomal recessive inheritance. Affected: yes.

Genetic Services Laboratory, University of Chicago
Classification: Likely benign for AllHighlyPenetrant. Review status: no assertion criteria provided. Collection method: clinical testing. Allele origin: germline. Inheritance: Autosomal recessive inheritance. Not counted in ClinVar's aggregate classification.
Comment: Likely benign based on allele frequency in 1000 Genomes Project or ESP global frequency and its presence in a patient with a rare or unrelated disease phenotype. NOT Sanger confirmed.

Laboratory of Diagnostic Genome Analysis, Leiden University Medical Center (LUMC)
Classification: Likely benign. Review status: no assertion criteria provided. Collection method: clinical testing. Allele origin: germline. Affected: yes. Study: VKGL Data-share Consensus. Not counted in ClinVar's aggregate classification.

NM_014714.4(IFT140):c.836G>C (p.Arg279Pro)

Genes: IFT140 (intraflagellar transport 140; minus strand), LOC105371046 (uncharacterized LOC105371046; plus strand). Cytogenetic location: 16p13.3.
Variant type: single nucleotide variant.
Coding change: c.836G>C on transcript NM_014714.4 (MANE Select); coding-DNA position 836, G replaced by C.
Protein change: p.Arg279Pro; replaces arginine 279 with proline.
Molecular consequence: missense variant.
Genome position (GRCh38, 1-based): chr16:1,587,999, C>G on the plus strand (G>C on the coding strand, the complement: IFT140 is on the minus strand). VCF-style: chr16-1587999-C-G. GRCh37 (hg19) VCF-style: chr16-1638000-C-G.
Other names: short protein forms R279P.
Identifiers: ClinVar variation 129262 (VCV000129262.25), dbSNP rs4786350, ClinGen allele CA153149.